The following is an entry in ClinVar:

NM_145207.3(AFG2A):c.1069G>A (p.Gly357Arg)

Gene: AFG2A (AAA ATPase AFG2A; plus strand). Cytogenetic location: 4q28.1.
Variant type: single nucleotide variant.
Coding change: c.1069G>A on transcript NM_145207.3 (MANE Select); coding-DNA position 1069, G replaced by A.
Protein change: p.Gly357Arg; replaces glycine 357 with arginine.
Molecular consequence: missense variant.
Genome position (GRCh38, 1-based): chr4:122,934,660, G>A. VCF-style: chr4-122934660-G-A. GRCh37 (hg19) VCF-style: chr4-123855815-G-A.
Other names: c.1066G>A, p.Gly356Arg (NM_001317799.2, NM_001345856.2); short protein forms G356R, G357R.
Identifiers: ClinVar variation 1055613 (VCV001055613.4), dbSNP rs755744719, ClinGen allele CA358103152.

ClinVar aggregate classification (germline): Uncertain significance (1 of 4 stars; one submission).

Conditions:
Microcephaly-intellectual disability-sensorineural hearing loss-epilepsy-abnormal muscle tone syndrome (NEDHSB). Also called: NEURODEVELOPMENTAL DISORDER WITH HEARING LOSS, SEIZURES, AND BRAIN ABNORMALITIES. Identifiers: Orphanet 457351, MedGen C4225276, MONDO:0014698, OMIM 616577.

gnomAD v4.1: 5 of 1,609,770 alleles (0.00031%); highest among the groups gnomAD compares: Admixed American, 0.0017%; no homozygotes.

Submission:

Labcorp Genetics (formerly Invitae), Labcorp
Classification: Uncertain significance for Microcephaly-intellectual disability-sensorineural hearing loss-epilepsy-abnormal muscle tone syndrome. Last evaluated: 2020-08-08. Review status: criteria provided, single submitter. Criteria: Invitae Variant Classification Sherloc (09022015). Collection method: clinical testing. Allele origin: germline.
Comment: This variant is not present in population databases (ExAC no frequency). This sequence change replaces glycine with arginine at codon 357 of the SPATA5 protein (p.Gly357Arg). The glycine residue is highly conserved and there is a moderate physicochemical difference between glycine and arginine. This variant has not been reported in the literature in individuals with SPATA5-related conditions. In summary, the available evidence is currently insufficient to determine the role of this variant in disease. Therefore, it has been classified as a Variant of Uncertain Significance. Advanced modeling of protein sequence and biophysical properties (such as structural, functional, and spatial information, amino acid conservation, physicochemical variation, residue mobility, and thermodynamic stability) performed at Invitae indicates that this missense variant is expected to disrupt SPATA5 protein function.